The following is an entry in ClinVar:

NM_031935.3(HMCN1):c.7903A>G (p.Asn2635Asp)

Gene: HMCN1 (hemicentin 1; plus strand). Cytogenetic location: 1q31.1.
Variant type: single nucleotide variant.
Coding change: c.7903A>G on transcript NM_031935.3 (MANE Select); coding-DNA position 7903, A replaced by G.
Protein change: p.Asn2635Asp; replaces asparagine 2635 with aspartic acid.
Molecular consequence: missense variant.
Genome position (GRCh38, 1-based): chr1:186,069,686, A>G. VCF-style: chr1-186069686-A-G. GRCh37 (hg19) VCF-style: chr1-186038818-A-G.
Other names: short protein forms N2635D.
Identifiers: ClinVar variation 1924034 (VCV001924034.5), dbSNP rs748010264, ClinGen allele CA1292977.

ClinVar aggregate classification (germline): Uncertain significance (1 of 4 stars; one submission).

Allele frequency attached by ClinVar (database versions not stated): gnomAD exomes 0.00001; ExAC 0.00002; gnomAD 0.00004; TOPMed 0.00004.
gnomAD v4.1: 15 of 1,612,588 alleles (0.00093%); highest among the groups gnomAD compares: African/African-American, 0.0093%; 1 homozygote.

Submission:

Labcorp Genetics (formerly Invitae), Labcorp
Classification: Uncertain significance. Last evaluated: 2025-01-06. Review status: criteria provided, single submitter. Criteria: Invitae Variant Classification Sherloc (09022015). Collection method: clinical testing. Allele origin: germline.
Comment: This sequence change replaces asparagine, which is neutral and polar, with aspartic acid, which is acidic and polar, at codon 2635 of the HMCN1 protein (p.Asn2635Asp). The frequency data for this variant in the population databases is considered unreliable, as metrics indicate poor data quality at this position in the gnomAD database. This variant has not been reported in the literature in individuals affected with HMCN1-related conditions. ClinVar contains an entry for this variant (Variation ID: 1924034). An algorithm developed to predict the effect of missense changes on protein structure and function (PolyPhen-2) suggests that this variant is likely to be disruptive. In summary, the available evidence is currently insufficient to determine the role of this variant in disease. Therefore, it has been classified as a Variant of Uncertain Significance.